The following is an entry in ClinVar:

ClinVar aggregate classification (germline): Uncertain significance. Review status: criteria provided, multiple submitters, no conflicts (2 of 4 stars). 2 submissions from 2 submitters: Uncertain significance (2). Last evaluated 2023-07-20.

Allele frequency attached by ClinVar (database versions not stated): gnomAD 0.00001; ExAC 0.00002; gnomAD exomes 0.00002; TOPMed 0.00002.
gnomAD v4.1: 16 of 1,614,034 alleles (0.00099%); highest among the groups gnomAD compares: Admixed American, 0.025%; no homozygotes.

Submissions (2):

GeneDx
Classification: Uncertain significance. Last evaluated: 2023-07-20. Review status: criteria provided, single submitter. Criteria: GeneDx Variant Classification Process June 2021. Collection method: clinical testing. Allele origin: germline. Affected: yes.
Comment: In silico analysis supports that this missense variant has a deleterious effect on protein structure/function; Has not been previously published as pathogenic or benign to our knowledge

Labcorp Genetics (formerly Invitae), Labcorp
Classification: Uncertain significance. Last evaluated: 2022-07-25. Review status: criteria provided, single submitter. Criteria: Invitae Variant Classification Sherloc (09022015). Collection method: clinical testing. Allele origin: germline.
Comment: This sequence change replaces valine, which is neutral and non-polar, with methionine, which is neutral and non-polar, at codon 643 of the FERMT1 protein (p.Val643Met). This variant is present in population databases (rs763711311, gnomAD 0.03%). This variant has not been reported in the literature in individuals affected with FERMT1-related conditions. Algorithms developed to predict the effect of missense changes on protein structure and function are either unavailable or do not agree on the potential impact of this missense change (SIFT: "Deleterious"; PolyPhen-2: "Probably Damaging"; Align-GVGD: "Class C0"). In summary, the available evidence is currently insufficient to determine the role of this variant in disease. Therefore, it has been classified as a Variant of Uncertain Significance.

NM_017671.5(FERMT1):c.1927G>A (p.Val643Met)

Gene: FERMT1 (FERM domain containing kindlin 1; minus strand). Cytogenetic location: 20p12.3.
Variant type: single nucleotide variant.
Coding change: c.1927G>A on transcript NM_017671.5 (MANE Select); coding-DNA position 1927, G replaced by A.
Protein change: p.Val643Met; replaces valine 643 with methionine.
Molecular consequence: missense variant.
Genome position (GRCh38, 1-based): chr20:6,077,280, C>T on the plus strand (G>A on the coding strand, the complement: FERMT1 is on the minus strand). VCF-style: chr20-6077280-C-T. GRCh37 (hg19) VCF-style: chr20-6057927-C-T.
Other names: c.1927G>A (NM_017671.4); short protein forms V643M.
Identifiers: ClinVar variation 1911314 (VCV001911314.3), dbSNP rs763711311, ClinGen allele CA9757997.
Genomic context (GRCh38, chr20:6,077,280, plus strand): 5'-TTTCATTCTGGTCCTTGGAGCGGGTGGACAAGAAAATGTAGCCGCCAATGTACTCGTGCA[C>T]AATCTTGCAATCTGCACTCAGGCAGGTGAAAGCAGTAAAGACGTTTTGGTCAAACTCGAT-3'
Protein context (NP_060141.3, residues 633-653): FTCLSADCKI[Val643Met]HEYIGGYIFL